The following is an entry in ClinVar:

NM_003361.4(UMOD):c.764G>A (p.Cys255Tyr)

Gene: UMOD (uromodulin; minus strand). Cytogenetic location: 16p12.3.
Variant type: single nucleotide variant.
Coding change: c.764G>A on transcript NM_003361.4 (MANE Select); coding-DNA position 764, G replaced by A.
Protein change: p.Cys255Tyr; replaces cysteine 255 with tyrosine.
Molecular consequence: missense variant. On other transcripts: non-coding transcript variant (1).
Genome position (GRCh38, 1-based): chr16:20,348,537, C>T on the plus strand (G>A on the coding strand, the complement: UMOD is on the minus strand). VCF-style: chr16-20348537-C-T. GRCh37 (hg19) VCF-style: chr16-20359859-C-T.
Other names: c.764G>A, p.Cys255Tyr (NM_001008389.3, NM_001378232.1, NM_001378233.1 and 3 more transcripts); c.863G>A, p.Cys288Tyr (NM_001278614.2); short protein forms C255Y, C288Y.
Identifiers: ClinVar variation 12261 (VCV000012261.8), dbSNP rs121917771, ClinGen allele CA256250.

ClinVar aggregate classification (germline): Pathogenic. Review status: criteria provided, single submitter (1 of 4 stars). 2 submissions from 2 submitters: Pathogenic (1). 1 of the submissions does not count toward it. Last evaluated 2026-07-01.

Conditions:
Familial juvenile hyperuricemic nephropathy type 1 (ADTKD1). Also called: Autosomal Dominant Tubulointerstitial Kidney Disease – UMOD; Glomerulocystic kidney disease with hyperuricemia and isosthenuria; Medullary cystic kidney disease 2; UMOD-Associated Kidney Disease; Uromodulin-associated kidney disease. Identifiers: Orphanet 209886, Orphanet 34149, Orphanet 88950, MedGen C4551496, MONDO:0008073, OMIM 162000.

Submissions (2):

CeGaT Center for Human Genetics Tuebingen
Classification: Pathogenic. Last evaluated: 2026-07-01. Review status: criteria provided, single submitter. Criteria: CeGaT Center For Human Genetics Tuebingen Variant Classification Criteria Version 2. Collection method: clinical testing. Allele origin: germline. Affected: yes. Observed: 1 variant allele.
Comment: UMOD: PP1:Strong, PS4, PM1, PM2

OMIM
Classification: Pathogenic for TUBULOINTERSTITIAL KIDNEY DISEASE, AUTOSOMAL DOMINANT 1. Last evaluated: 2005-07-01. Review status: no assertion criteria provided. Collection method: literature only. Allele origin: germline. Not counted in ClinVar's aggregate classification.

Literature cited by the submitters: PubMed 12629136 (cited by OMIM); PubMed 12519891 (cited by OMIM); PubMed 15253706 (cited by OMIM); PubMed 15983957 (cited by OMIM).